The following is an entry in ClinVar:

ClinVar aggregate classification (germline): Pathogenic/Likely pathogenic. Review status: criteria provided, multiple submitters, no conflicts (2 of 4 stars). 3 submissions from 3 submitters: Pathogenic (1); Likely pathogenic (2). Last evaluated 2025-09-02.

Conditions:
Diabetes insipidus, nephrogenic, X-linked. Also called: Nephrogenic Diabetes Insipidus, Type I. Identifiers: Orphanet 223, MedGen C1563705, MONDO:0010581, OMIM 304800.

Submissions (3):

Labcorp Genetics (formerly Invitae), Labcorp
Classification: Likely pathogenic. Last evaluated: 2025-09-02. Review status: criteria provided, single submitter. Criteria: Invitae Variant Classification Sherloc (09022015). Collection method: clinical testing. Allele origin: germline.
Comment: This variant, c.835_837del, results in the deletion of 1 amino acid(s) of the AVPR2 protein (p.Val279del), but otherwise preserves the integrity of the reading frame. This variant is not present in population databases (gnomAD no frequency). This variant has been observed in individuals with nephrogenic diabetes insipidus (PMID: 8267567, 10820168, 32939031). In summary, the currently available evidence indicates that the variant is pathogenic, but additional data are needed to prove that conclusively. Therefore, this variant has been classified as Likely Pathogenic.

Mayo Clinic Laboratories, Mayo Clinic
Classification: Likely pathogenic. Last evaluated: 2025-04-01. Review status: criteria provided, single submitter. Criteria: ACMG Guidelines, 2015. Collection method: clinical testing. Allele origin: germline. Observed: 1 variant allele.
Comment: PP1_strong, PM2_supporting, PM4, PS4_moderate

Victorian Clinical Genetics Services, Murdoch Childrens Research Institute
Classification: Pathogenic for Diabetes insipidus, nephrogenic, X-linked. Last evaluated: 2018-10-10. Review status: criteria provided, single submitter. Criteria: ACMG Guidelines, 2015. Collection method: clinical testing. Allele origin: unknown. Affected: yes.
Comment: A hemizygous deletion variant, NM_000054.5(AVPR2):c.835_837del, has been identified in exon 2 of 3 of the AVPR2 gene. The variant is predicted to result in an inframe deletion of a single amino acid at position 279 of the protein (NP_000045.1(AVPR2):p.(Val279del)). The valine residue at this position has moderate conservation (100 vertebrates, UCSC), and is located within a transmembrane domain of the G protein-coupled receptor. The variant is absent in population databases (gnomAD, dbSNP, 1000G). A different variant in the same codon resulting in a change to isoleucine has been reported in the population (MAF 0.005%, 4 heterozygotes, 5 hemizygotes), and a different variant resulting in an inframe deletion of amino acids 278 and 279 has been reported as a VUS (Global Variome Shared LOVD). This variant has been previously described as pathogenic, and shown to segregate with disease in multiple families with nephrogenic diabetes insipidus (Spanakis, E. et al., 2008; Tsukaguchi, H. et al., 1993; Arthus, M.F. et al., 2000; Faa, V. et al., 1994; Schulz, A. et et al., 2002; Shoji, Y. et al., 1998; etc.). In addition, functional analysis showed that p.(Val279del) impaired intracellular trafficking (Tsukaguchi, H. et al., 1995), impacting the ability of the receptor to bind ligands (Schoneberg, T. et al., 1996). Based on the information available at the time of curation, this variant has been classified as PATHOGENIC.

Literature cited by the submitters: PubMed 8267567 (cited by Labcorp Genetics (formerly Invitae), Labcorp and Mayo Clinic Laboratories, Mayo Clinic); PubMed 10820168 (cited by Labcorp Genetics (formerly Invitae), Labcorp and Mayo Clinic Laboratories, Mayo Clinic); PubMed 32939031 (cited by Labcorp Genetics (formerly Invitae), Labcorp and Mayo Clinic Laboratories, Mayo Clinic).

NM_000054.7(AVPR2):c.832GTC[1] (p.Val279del)

Gene: AVPR2 (arginine vasopressin receptor 2; plus strand). Cytogenetic location: Xq28.
Variant type: Microsatellite.
Coding change: c.832GTC[1] on transcript NM_000054.7 (MANE Select); one copy of the 3-base unit GTC starting at c.832; the reference has two copies in a row; one copy, 3 bases deleted; also written c.835_837del.
Protein change: p.Val279del; deletes valine 279.
Molecular consequence: inframe deletion. On other transcripts: non-coding transcript variant (1).
Genome position (GRCh38, 1-based): chrX:153,906,341-153,906,343, GTC deleted; deleting any 3 consecutive bases within chrX:153,906,338-153,906,343 gives the same sequence; the position shown is the placement nearest the transcript's 3' end. VCF-style (leftmost placement, unchanged base first): chrX-153906337-GGTC-G. GRCh37 (hg19) VCF-style: chrX-153171791-GGTC-G.
Other names: p.Val279del; c.835_837del (NM_000054.6); c.832GTC[1], p.Val279del (NM_001146151.3); short protein forms V279del.
Identifiers: ClinVar variation 975064 (VCV000975064.9), dbSNP rs2064967091, ClinGen allele CA2466520757.